The following is an entry in ClinVar:

NM_000448.3(RAG1):c.1559T>C (p.Phe520Ser)

Gene: RAG1 (recombination activating 1; plus strand). Cytogenetic location: 11p12.
Variant type: single nucleotide variant.
Coding change: c.1559T>C on transcript NM_000448.3 (MANE Select); coding-DNA position 1559, T replaced by C.
Protein change: p.Phe520Ser; replaces phenylalanine 520 with serine.
Molecular consequence: missense variant.
Genome position (GRCh38, 1-based): chr11:36,574,863, T>C. VCF-style: chr11-36574863-T-C. GRCh37 (hg19) VCF-style: chr11-36596413-T-C.
Other names: c.1559T>C, p.Phe520Ser (NM_001377277.1, NM_001377278.1, NM_001377279.1 and 1 more transcripts); short protein forms F520S.
Identifiers: ClinVar variation 641796 (VCV000641796.8), dbSNP rs1490273597, ClinGen allele CA380152791.
Genomic context (GRCh38, chr11:36,574,863, plus strand): 5'-TTCAGCCTTTGCATGCCCTTCGGAATGCTGAGAAGGTACTTCTGCCAGGCTACCACCACT[T>C]TGAGTGGCAGCCACCTCTGAAGAATGTGTCTTCCAGCACTGATGTTGGCATTATTGATGG-3'
Protein context (NP_000439.2, residues 510-530): EKVLLPGYHH[Phe520Ser]EWQPPLKNVS

ClinVar aggregate classification (germline): Uncertain significance (1 of 4 stars; one submission).

Conditions:
Severe combined immunodeficiency, autosomal recessive, T cell-negative, B cell-negative, NK cell-positive. Also called: SCID, T CELL-NEGATIVE, B CELL-NEGATIVE, NK CELL-POSITIVE; SCID, AR, T-cell negative, B-cell negative, NK cell-positive; Severe combined immunodeficiency due to complete RAG1/2 deficiency. Identifiers: Orphanet 331206, MedGen C1832322, MONDO:0011086, OMIM 601457.
Combined immunodeficiency with skin granulomas. Identifiers: Orphanet 157949, MedGen C2673536, MONDO:0009306, OMIM 233650.

Allele frequency attached by ClinVar (database versions not stated): gnomAD exomes below 0.00001 and 0.00002; TOPMed 0.00001.
gnomAD v4.1: 23 of 1,614,102 alleles (0.0014%); highest among the groups gnomAD compares: Non-Finnish European, 0.0019%; no homozygotes.

Submission:

Labcorp Genetics (formerly Invitae), Labcorp
Classification: Uncertain significance for Combined immunodeficiency with skin granulomas; Severe combined immunodeficiency, autosomal recessive, T cell-negative, B cell-negative, NK cell-positive. Last evaluated: 2022-07-26. Review status: criteria provided, single submitter. Criteria: Invitae Variant Classification Sherloc (09022015). Collection method: clinical testing. Allele origin: germline.
Comment: This sequence change replaces phenylalanine, which is neutral and non-polar, with serine, which is neutral and polar, at codon 520 of the RAG1 protein (p.Phe520Ser). This variant is present in population databases (no rsID available, gnomAD 0.0009%). This variant has not been reported in the literature in individuals affected with RAG1-related conditions. ClinVar contains an entry for this variant (Variation ID: 641796). Advanced modeling of protein sequence and biophysical properties (such as structural, functional, and spatial information, amino acid conservation, physicochemical variation, residue mobility, and thermodynamic stability) performed at Invitae indicates that this missense variant is expected to disrupt RAG1 protein function. In summary, the available evidence is currently insufficient to determine the role of this variant in disease. Therefore, it has been classified as a Variant of Uncertain Significance.